The following is an entry in ClinVar:

ClinVar aggregate classification (germline): Uncertain significance (1 of 4 stars; one submission).

Conditions:
Early-infantile DEE. Also called: Ohtahara syndrome; Early infantile epileptic encephalopathy; Early infantile epileptic encephalopathy with suppression bursts. Identifiers: Orphanet 1934, MedGen C0393706, MONDO:0800491.

Submission:

Labcorp Genetics (formerly Invitae), Labcorp
Classification: Uncertain significance for Early-infantile DEE. Last evaluated: 2025-10-20. Review status: criteria provided, single submitter. Criteria: Invitae Variant Classification Sherloc (09022015). Collection method: clinical testing. Allele origin: germline.
Comment: This sequence change replaces glutamic acid, which is acidic and polar, with lysine, which is basic and polar, at codon 823 of the KCNH5 protein (p.Glu823Lys). This variant is not present in population databases (gnomAD no frequency). This variant has not been reported in the literature in individuals affected with KCNH5-related conditions. Invitae Evidence Modeling of protein sequence and biophysical properties (such as structural, functional, and spatial information, amino acid conservation, physicochemical variation, residue mobility, and thermodynamic stability) indicates that this missense variant is not expected to disrupt KCNH5 protein function with a negative predictive value of 95%. In summary, the available evidence is currently insufficient to determine the role of this variant in disease. Therefore, it has been classified as a Variant of Uncertain Significance.

NM_139318.5(KCNH5):c.2467G>A (p.Glu823Lys)

Gene: KCNH5 (potassium voltage-gated channel subfamily H member 5; minus strand). Cytogenetic location: 14q23.2.
Variant type: single nucleotide variant.
Coding change: c.2467G>A on transcript NM_139318.5 (MANE Select); coding-DNA position 2467, G replaced by A.
Protein change: p.Glu823Lys; replaces glutamic acid 823 with lysine.
Molecular consequence: missense variant. On other transcripts: 3 prime UTR variant (1).
Genome position (GRCh38, 1-based): chr14:62,708,008, C>T on the plus strand (G>A on the coding strand, the complement: KCNH5 is on the minus strand). VCF-style: chr14-62708008-C-T. GRCh37 (hg19) VCF-style: chr14-63174726-C-T.
Other names: c.*434G>A (NM_172375.3); short protein forms E823K.
Identifiers: ClinVar variation 4797984 (VCV004797984.1).